The following is an entry in ClinVar:

ClinVar aggregate classification (germline): Uncertain significance. Review status: criteria provided, multiple submitters, no conflicts (2 of 4 stars). 2 submissions from 2 submitters: Uncertain significance (2). Last evaluated 2024-04-15.

Conditions:
Hereditary breast ovarian cancer syndrome. Also called: Hereditary breast and ovarian cancer; Hereditary breast and/or ovarian cancer syndrome; Breast and ovarian cancer; BRCA1- and BRCA2-Associated Hereditary Breast and Ovarian Cancer; Hereditary breast and ovarian cancer syndrome; Hereditary breast and ovarian cancer syndrome (HBOC). Identifiers: Orphanet 145, MedGen C0677776, MeSH D061325, MONDO:0003582. Disease mechanism: loss of function.

Submissions (2):

Women's Health and Genetics/Laboratory Corporation of America, LabCorp
Classification: Uncertain significance. Last evaluated: 2024-04-15. Review status: criteria provided, single submitter. Criteria: LabCorp Variant Classification Summary - May 2015. Collection method: clinical testing. Allele origin: germline.

Labcorp Genetics (formerly Invitae), Labcorp
Classification: Uncertain significance for Hereditary breast ovarian cancer syndrome. Last evaluated: 2018-09-20. Review status: criteria provided, single submitter. Criteria: Invitae Variant Classification Sherloc (09022015). Collection method: clinical testing. Allele origin: germline.
Comment: In summary, the available evidence is currently insufficient to determine the role of this variant in disease. Therefore, it has been classified as a Variant of Uncertain Significance. Algorithms developed to predict the effect of missense changes on protein structure and function (SIFT, PolyPhen-2, Align-GVGD) all suggest that this variant is likely to be disruptive, but these predictions have not been confirmed by published functional studies and their clinical significance is uncertain. This variant has not been reported in the literature in individuals with BRCA2-related disease. This variant is not present in population databases (ExAC no frequency). This sequence change replaces serine with threonine at codon 3291 of the BRCA2 protein (p.Ser3291Thr). The serine residue is highly conserved and there is a small physicochemical difference between serine and threonine.

NM_000059.4(BRCA2):c.9871T>A (p.Ser3291Thr)

Gene: BRCA2 (BRCA2 DNA repair associated; plus strand). Cytogenetic location: 13q13.1.
Variant type: single nucleotide variant.
Coding change: c.9871T>A on transcript NM_000059.4 (MANE Select); coding-DNA position 9871, T replaced by A.
Protein change: p.Ser3291Thr; replaces serine 3291 with threonine.
Molecular consequence: missense variant.
Genome position (GRCh38, 1-based): chr13:32,398,384, T>A. VCF-style: chr13-32398384-T-A. GRCh37 (hg19) VCF-style: chr13-32972521-T-A.
Other names: short protein forms S3291T.
Identifiers: ClinVar variation 655549 (VCV000655549.10), dbSNP rs1593201942, ClinGen allele CA387766650.